The following is an entry in ClinVar:

NM_000238.4(KCNH2):c.2617G>C (p.Gly873Arg)

Gene: KCNH2 (potassium voltage-gated channel subfamily H member 2; minus strand). Cytogenetic location: 7q36.1.
Variant type: single nucleotide variant.
Coding change: c.2617G>C on transcript NM_000238.4 (MANE Select); coding-DNA position 2617, G replaced by C.
Protein change: p.Gly873Arg; replaces glycine 873 with arginine.
Molecular consequence: missense variant.
Genome position (GRCh38, 1-based): chr7:150,948,519, C>G on the plus strand (G>C on the coding strand, the complement: KCNH2 is on the minus strand). VCF-style: chr7-150948519-C-G. GRCh37 (hg19) VCF-style: chr7-150645607-C-G.
Other names: c.2329G>C, p.Gly777Arg (NM_001406753.1); c.1597G>C, p.Gly533Arg (NM_172057.3); short protein forms G533R, G777R, G873R.
Identifiers: ClinVar variation 1896117 (VCV001896117.5), dbSNP rs41314354, ClinGen allele CA369853870.

ClinVar aggregate classification (germline): Uncertain significance (1 of 4 stars; one submission).

Conditions:
Long QT syndrome (LQTS). Identifiers: MedGen C0023976, MeSH D008133, MONDO:0002442. Disease mechanism: loss of function. Inheritance: Various modes of inheritance.

gnomAD v4.1: 1 of 1,613,708 alleles (0.000062%); highest among the groups gnomAD compares: Admixed American, 0.0017%; no homozygotes.

Submission:

Labcorp Genetics (formerly Invitae), Labcorp
Classification: Uncertain significance for Long QT syndrome. Last evaluated: 2023-11-11. Review status: criteria provided, single submitter. Criteria: Invitae Variant Classification Sherloc (09022015). Collection method: clinical testing. Allele origin: germline.
Comment: This sequence change replaces glycine, which is neutral and non-polar, with arginine, which is basic and polar, at codon 873 of the KCNH2 protein (p.Gly873Arg). This variant is not present in population databases (gnomAD no frequency). This variant has not been reported in the literature in individuals affected with KCNH2-related conditions. ClinVar contains an entry for this variant (Variation ID: 1896117). An algorithm developed to predict the effect of missense changes on protein structure and function (PolyPhen-2) suggests that this variant is likely to be tolerated. In summary, the available evidence is currently insufficient to determine the role of this variant in disease. Therefore, it has been classified as a Variant of Uncertain Significance.